The following is an entry in ClinVar:

NM_001037333.3(CYFIP2):c.387+5G>T

Gene: CYFIP2 (cytoplasmic FMR1 interacting protein 2; plus strand). Cytogenetic location: 5q33.3.
Variant type: single nucleotide variant.
Coding change: c.387+5G>T on transcript NM_001037333.3 (MANE Select); 5 bases into the intron after coding-DNA position 387, G replaced by T.
Molecular consequence: intron variant.
Genome position (GRCh38, 1-based): chr5:157,296,779, G>T. VCF-style: chr5-157296779-G-T. GRCh37 (hg19) VCF-style: chr5-156723787-G-T.
Other names: c.387+5G>T (NM_001291722.2, NM_014376.4); c.309+5G>T (NM_001291721.2).
Identifiers: ClinVar variation 1440826 (VCV001440826.6), dbSNP rs1015047060, ClinGen allele CA130152275.

ClinVar aggregate classification (germline): Uncertain significance (1 of 4 stars; one submission).

Submission:

Labcorp Genetics (formerly Invitae), Labcorp
Classification: Uncertain significance. Last evaluated: 2022-08-09. Review status: criteria provided, single submitter. Criteria: Invitae Variant Classification Sherloc (09022015). Collection method: clinical testing. Allele origin: germline.
Comment: ClinVar contains an entry for this variant (Variation ID: 1440826). This variant has not been reported in the literature in individuals affected with CYFIP2-related conditions. This variant is not present in population databases (gnomAD no frequency). This sequence change falls in intron 5 of the CYFIP2 gene. It does not directly change the encoded amino acid sequence of the CYFIP2 protein. It affects a nucleotide within the consensus splice site. Variants that disrupt the consensus splice site are a relatively common cause of aberrant splicing (PMID: 17576681, 9536098). Algorithms developed to predict the effect of sequence changes on RNA splicing suggest that this variant may disrupt the consensus splice site. In summary, the available evidence is currently insufficient to determine the role of this variant in disease. Therefore, it has been classified as a Variant of Uncertain Significance.

Literature cited by the submitters: PubMed 17576681; PubMed 9536098.